The following is an entry in ClinVar:

NM_001164508.2(NEB):c.9492C>T (p.Cys3164=)

Gene: NEB (nebulin; minus strand). Cytogenetic location: 2q23.3.
Variant type: single nucleotide variant.
Coding change: c.9492C>T on transcript NM_001164508.2 (MANE Select); coding-DNA position 9492, C replaced by T.
Protein change: p.Cys3164=; no amino-acid change (cysteine 3164 retained).
Molecular consequence: synonymous variant. On other transcripts: intron variant (1).
Genome position (GRCh38, 1-based): chr2:151,631,269, G>A on the plus strand (C>T on the coding strand, the complement: NEB is on the minus strand). VCF-style: chr2-151631269-G-A. GRCh37 (hg19) VCF-style: chr2-152487783-G-A.
Other names: c.9492C>T, p.Cys3164= (NM_001164507.2, NM_001271208.2); c.8854-91C>T (NM_004543.5).
Identifiers: ClinVar variation 3042751 (VCV003042751.4), dbSNP rs2552238335, ClinGen allele CA429240368.

ClinVar aggregate classification (germline): Likely benign. Review status: criteria provided, single submitter (1 of 4 stars). 2 submissions from 2 submitters: Likely benign (1). 1 of the submissions does not count toward it. Last evaluated 2024-02-17.

Conditions:
NEB-related disorder. Also called: NEB-Related Disorders; NEB-related condition.
Nemaline myopathy 2 (NEM2). Also called: Nemaline myopathy 2, autosomal recessive. Identifiers: MedGen C1850569, MONDO:0009725, OMIM 256030.

Allele frequency attached by ClinVar (database versions not stated): gnomAD exomes below 0.00001.
gnomAD v4.1: 1 of 1,613,868 alleles (0.000062%); highest among the groups gnomAD compares: Non-Finnish European, 0.000085%; no homozygotes.

Submissions (2):

Labcorp Genetics (formerly Invitae), Labcorp
Classification: Likely benign for Nemaline myopathy 2. Last evaluated: 2024-02-17. Review status: criteria provided, single submitter. Criteria: Invitae Variant Classification Sherloc (09022015). Collection method: clinical testing. Allele origin: germline.

PreventionGenetics, part of Exact Sciences
Classification: Likely benign for NEB-related condition. Last evaluated: 2019-06-19. Review status: no assertion criteria provided. Collection method: clinical testing. Allele origin: germline. Not counted in ClinVar's aggregate classification.
Comment: This variant is classified as likely benign based on ACMG/AMP sequence variant interpretation guidelines (Richards et al. 2015 PMID: 25741868, with internal and published modifications).